The following is an entry in ClinVar:

NM_006904.7(PRKDC):c.8842G>A (p.Gly2948Arg)

Gene: PRKDC (protein kinase, DNA-activated, catalytic subunit; minus strand). Cytogenetic location: 8q11.21.
Variant type: single nucleotide variant.
Coding change: c.8842G>A on transcript NM_006904.7 (MANE Select); coding-DNA position 8842, G replaced by A.
Protein change: p.Gly2948Arg; replaces glycine 2948 with arginine.
Molecular consequence: missense variant.
Genome position (GRCh38, 1-based): chr8:47,823,938, C>T on the plus strand (G>A on the coding strand, the complement: PRKDC is on the minus strand). VCF-style: chr8-47823938-C-T. GRCh37 (hg19) VCF-style: chr8-48736499-C-T.
Other names: c.8842G>A, p.Gly2948Arg (NM_001081640.2); short protein forms G2948R.
Identifiers: ClinVar variation 1395081 (VCV001395081.6), dbSNP rs2154499121, ClinGen allele CA371142436.

ClinVar aggregate classification (germline): Uncertain significance (1 of 4 stars; one submission).

Conditions:
Severe combined immunodeficiency due to DNA-PKcs deficiency. Also called: Immunodeficiency 26 with or without neurologic abnormalities; IMMUNODEFICIENCY 26 WITH NEUROLOGIC ABNORMALITIES. Identifiers: Orphanet 317425, MedGen C4014833, MONDO:0014423, OMIM 615966.

Submission:

Labcorp Genetics (formerly Invitae), Labcorp
Classification: Uncertain significance for Severe combined immunodeficiency due to DNA-PKcs deficiency. Last evaluated: 2022-06-13. Review status: criteria provided, single submitter. Criteria: Invitae Variant Classification Sherloc (09022015). Collection method: clinical testing. Allele origin: germline.
Comment: This sequence change replaces glycine, which is neutral and non-polar, with arginine, which is basic and polar, at codon 2948 of the PRKDC protein (p.Gly2948Arg). This variant is not present in population databases (gnomAD no frequency). This variant has not been reported in the literature in individuals affected with PRKDC-related conditions. Experimental studies and prediction algorithms are not available or were not evaluated, and the functional significance of this variant is currently unknown. In summary, the available evidence is currently insufficient to determine the role of this variant in disease. Therefore, it has been classified as a Variant of Uncertain Significance.